The following is an entry in ClinVar:

NM_002181.4(IHH):c.865C>T (p.Arg289Cys)

Gene: IHH (Indian hedgehog signaling molecule; minus strand). Cytogenetic location: 2q35.
Variant type: single nucleotide variant.
Coding change: c.865C>T on transcript NM_002181.4 (MANE Select); coding-DNA position 865, C replaced by T.
Protein change: p.Arg289Cys; replaces arginine 289 with cysteine.
Molecular consequence: missense variant.
Genome position (GRCh38, 1-based): chr2:219,055,578, G>A on the plus strand (C>T on the coding strand, the complement: IHH is on the minus strand). VCF-style: chr2-219055578-G-A. GRCh37 (hg19) VCF-style: chr2-219920300-G-A.
Other names: short protein forms R289C.
Identifiers: ClinVar variation 4689216 (VCV004689216.1).
Genomic context (GRCh38, chr2:219,055,578, plus strand): 5'-CCCCAGCCACCAGCACGTACTGGCCAGGCTGCACGTGGCTGGCAAATGTGGCCCGGAAGC[G>A]GGCTGCCGGCTCCGTGTGATTGTCAGCCGTAAAGAGCAGGTGAGCGGGTGTGAGTGCCAG-3'
Protein context (NP_002172.2, residues 279-299): TADNHTEPAA[Arg289Cys]FRATFASHVQ

ClinVar aggregate classification (germline): Uncertain significance (1 of 4 stars; one submission).

gnomAD v4.1: 22 of 1,613,202 alleles (0.0014%); highest among the groups gnomAD compares: African/African-American, 0.011%; 1 homozygote.

Submission:

Women's Health and Genetics/Laboratory Corporation of America, LabCorp
Classification: Uncertain significance. Last evaluated: 2026-01-20. Review status: criteria provided, single submitter. Criteria: LabCorp Variant Classification Summary - May 2015. Collection method: clinical testing. Allele origin: germline.
Comment: Variant summary: IHH c.865C>T (p.Arg289Cys) results in a non-conservative amino acid change in the encoded protein sequence. Algorithms developed to predict the effect of missense changes on protein structure and function are either unavailable or do not agree on the potential impact of this missense change. The variant allele was found at a frequency of 1.6e-05 in 248660 control chromosomes. The available data on variant occurrences in the general population are insufficient to allow any conclusion about variant significance. To our knowledge, no occurrence of c.865C>T in individuals affected with IHH-related conditions and no experimental evidence demonstrating its impact on protein function have been reported. No submitters have cited clinical-significance assessments for this variant to ClinVar. Based on the evidence outlined above, the variant was classified as uncertain significance.